The following is an entry in ClinVar:

ClinVar aggregate classification (germline): Conflicting classifications of pathogenicity. Review status: criteria provided, conflicting classifications (1 of 4 stars). 8 submissions from 8 submitters: Uncertain significance (6); Likely benign (1). 1 of the submissions does not count toward it. Last evaluated 2025-12-03.

Conditions:
ATM-related cancer predisposition. Also called: ATM-related cancer susceptibility. Identifiers: MedGen CN377759, MONDO:0700270.
Hereditary cancer-predisposing syndrome. Also called: Neoplastic Syndromes, Hereditary; Hereditary Cancer Syndrome; Tumor predisposition; Hereditary neoplastic syndrome. Identifiers: Orphanet 140162, MedGen C0027672, MeSH D009386, MONDO:0015356.
Familial cancer of breast. Also called: BREAST CANCER, FAMILIAL; Hereditary breast cancer; hereditary breast carcinoma. Identifiers: Orphanet 227535, MedGen C0346153, MONDO:0016419, OMIM 114480. Disease mechanism: loss of function.
Ataxia-telangiectasia syndrome (AT). Also called: LOUIS-BAR SYNDROME; Cerebello-oculocutaneous telangiectasia; Immunodeficiency with ataxia telangiectasia; Ataxia-telangiectasia, complementation group D; AT, COMPLEMENTATION GROUP C; ATAXIA-TELANGIECTASIA, COMPLEMENTATION GROUP A. Identifiers: Orphanet 100, MedGen C0004135, MONDO:0008840, OMIM 208900.

Allele frequency attached by ClinVar (database versions not stated): gnomAD exomes below 0.00001 and 0.00001; TOPMed below 0.00001; ExAC 0.00001.
gnomAD v4.1: 17 of 1,613,870 alleles (0.0011%); highest among the groups gnomAD compares: Non-Finnish European, 0.0014%; no homozygotes.

Submissions (8):

Ambry Genetics
Classification: Likely benign for Hereditary cancer-predisposing syndrome. Last evaluated: 2025-12-03. Review status: criteria provided, single submitter. Criteria: Ambry Variant Classification Scheme 2023. Collection method: clinical testing. Allele origin: germline.

Labcorp Genetics (formerly Invitae), Labcorp
Classification: Uncertain significance for Ataxia-telangiectasia syndrome. Last evaluated: 2025-11-11. Review status: criteria provided, single submitter. Criteria: Invitae Variant Classification Sherloc (09022015). Collection method: clinical testing. Allele origin: germline.
Comment: This sequence change replaces asparagine, which is neutral and polar, with histidine, which is basic and polar, at codon 206 of the ATM protein (p.Asn206His). This variant is present in population databases (rs587781829, gnomAD 0.0009%). This missense change has been observed in individual(s) with glioblastoma multiforme (PMID: 26689913). ClinVar contains an entry for this variant (Variation ID: 141543). Invitae Evidence Modeling of protein sequence and biophysical properties (such as structural, functional, and spatial information, amino acid conservation, physicochemical variation, residue mobility, and thermodynamic stability) indicates that this missense variant is not expected to disrupt ATM protein function with a negative predictive value of 95%. In summary, the available evidence is currently insufficient to determine the role of this variant in disease. Therefore, it has been classified as a Variant of Uncertain Significance.

Dasa
Classification: Uncertain significance for ATM-related cancer predisposition. Last evaluated: 2025-10-09. Review status: criteria provided, single submitter. Criteria: DASA Assertion Criteria. Collection method: clinical testing. Allele origin: germline.
Comment: NM_000051.4(ATM):c.616A>C (p.Asn206His) is a missense variant that results in the substitution of asparagine with histidine. This variant is rare in population databases. Computational prediction algorithms are consistent with a benign effect. The currently available literature and clinical evidence are not sufficient to establish a definitive association between this variant and the reported condition. Therefore, this variant is classified as a variant of uncertain significance.

GeneDx
Classification: Uncertain significance. Last evaluated: 2025-04-18. Review status: criteria provided, single submitter. Criteria: GeneDx Variant Classification Process June 2021. Collection method: clinical testing. Allele origin: germline. Affected: yes.
Comment: Not observed at significant frequency in large population cohorts (gnomAD); In silico analysis indicates that this missense variant does not alter protein structure/function; Has not been previously published as pathogenic or benign to our knowledge; This variant is associated with the following publications: (PMID: 26689913, 25779943)

Quest Diagnostics Nichols Institute San Juan Capistrano
Classification: Uncertain significance. Last evaluated: 2024-09-02. Review status: criteria provided, single submitter. Criteria: Quest Diagnostics criteria. Collection method: clinical testing. Allele origin: unknown.
Comment: The ATM c.616A>C (p.Asn206His) variant has been reported in the published literature in an individual with glioblastoma (PMID: 26689913 (2015)). This variant has also been identified in a reportedly healthy individual (PMID: 33471991 (2021), see also LOVD). The frequency of this variant in the general population, 0.000004 (1/251218 chromosomes (Genome Aggregation Database)), is uninformative in the assessment of its pathogenicity. Analysis of this variant using bioinformatics tools for the prediction of the effect of amino acid changes on protein structure and function yielded predictions that this variant is benign. Based on the available information, we are unable to determine the clinical significance of this variant.

Baylor Genetics
Classification: Uncertain significance for Familial cancer of breast. Last evaluated: 2023-10-22. Review status: criteria provided, single submitter. Criteria: ACMG Guidelines, 2015. Collection method: clinical testing. Allele origin: unknown.

Color Diagnostics, LLC DBA Color Health
Classification: Uncertain significance for Hereditary cancer-predisposing syndrome. Last evaluated: 2019-04-04. Review status: criteria provided, single submitter. Criteria: ACMG Guidelines, 2015. Collection method: clinical testing. Allele origin: germline.

Natera, Inc.
Classification: Uncertain significance for Ataxia-telangiectasia. Last evaluated: 2020-09-16. Review status: no assertion criteria provided. Collection method: clinical testing. Allele origin: germline. Not counted in ClinVar's aggregate classification.

Literature cited by the submitters: PubMed 26689913 (cited by Labcorp Genetics (formerly Invitae), Labcorp and Quest Diagnostics Nichols Institute San Juan Capistrano); PubMed 33471991 (cited by Quest Diagnostics Nichols Institute San Juan Capistrano).

NM_000051.4(ATM):c.616A>C (p.Asn206His)

Gene: ATM (ATM serine/threonine kinase; plus strand). Cytogenetic location: 11q22.3.
Variant type: single nucleotide variant.
Coding change: c.616A>C on transcript NM_000051.4 (MANE Select); coding-DNA position 616, A replaced by C.
Protein change: p.Asn206His; replaces asparagine 206 with histidine.
Molecular consequence: missense variant.
Genome position (GRCh38, 1-based): chr11:108,244,072, A>C. VCF-style: chr11-108244072-A-C. GRCh37 (hg19) VCF-style: chr11-108114799-A-C.
Other names: c.616A>C, p.Asn206His (NM_001351834.2); short protein forms N206H.
Identifiers: ClinVar variation 141543 (VCV000141543.25), dbSNP rs587781829, ClinGen allele CA165723.